The following is an entry in ClinVar:

NM_014423.4(AFF4):c.937G>C (p.Val313Leu)

Gene: AFF4 (ALF transcription elongation factor 4; minus strand). Cytogenetic location: 5q31.1.
Variant type: single nucleotide variant.
Coding change: c.937G>C on transcript NM_014423.4 (MANE Select); coding-DNA position 937, G replaced by C.
Protein change: p.Val313Leu; replaces valine 313 with leucine.
Molecular consequence: missense variant.
Genome position (GRCh38, 1-based): chr5:132,932,204, C>G on the plus strand (G>C on the coding strand, the complement: AFF4 is on the minus strand). VCF-style: chr5-132932204-C-G. GRCh37 (hg19) VCF-style: chr5-132267896-C-G.
Other names: short protein forms V313L.
Identifiers: ClinVar variation 4806764 (VCV004806764.1).

ClinVar aggregate classification (germline): Uncertain significance (1 of 4 stars; one submission).

Conditions:
Cognitive impairment - coarse facies - heart defects - obesity - pulmonary involvement - short stature - skeletal dysplasia syndrome. Also called: COGNITIVE IMPAIRMENT, COARSE FACIES, HEART DEFECTS, OBESITY, PULMONARY INVOLVEMENT, SHORT STATURE, AND SKELETAL DYSPLASIA; Chops syndrome; AFF4-Related CHOPS Syndrome. Identifiers: Orphanet 444077, MedGen C4085597, MONDO:0014609, OMIM 616368.

gnomAD v4.1: 2 of 1,607,122 alleles (0.00012%); highest among the groups gnomAD compares: Admixed American, 0.0017%; no homozygotes.

Submission:

Labcorp Genetics (formerly Invitae), Labcorp
Classification: Uncertain significance for Cognitive impairment - coarse facies - heart defects - obesity - pulmonary involvement - short stature - skeletal dysplasia syndrome. Last evaluated: 2025-10-08. Review status: criteria provided, single submitter. Criteria: Invitae Variant Classification Sherloc (09022015). Collection method: clinical testing. Allele origin: germline.
Comment: This sequence change replaces valine, which is neutral and non-polar, with leucine, which is neutral and non-polar, at codon 313 of the AFF4 protein (p.Val313Leu). This variant is present in population databases (rs764100784, gnomAD 0.003%). This variant has not been reported in the literature in individuals affected with AFF4-related conditions. Invitae Evidence Modeling of protein sequence and biophysical properties (such as structural, functional, and spatial information, amino acid conservation, physicochemical variation, residue mobility, and thermodynamic stability) indicates that this missense variant is not expected to disrupt AFF4 protein function with a negative predictive value of 80%. In summary, the available evidence is currently insufficient to determine the role of this variant in disease. Therefore, it has been classified as a Variant of Uncertain Significance.